The following is an entry in ClinVar:

NM_024529.5(CDC73):c.25C>T (p.Arg9Ter)

Gene: CDC73 (cell division cycle 73; plus strand). Cytogenetic location: 1q31.2.
Variant type: single nucleotide variant.
Coding change: c.25C>T on transcript NM_024529.5 (MANE Select); coding-DNA position 25, C replaced by T.
Protein change: p.Arg9Ter; replaces arginine 9 with a stop codon.
Molecular consequence: nonsense.
Genome position (GRCh38, 1-based): chr1:193,122,225, C>T. VCF-style: chr1-193122225-C-T. GRCh37 (hg19) VCF-style: chr1-193091355-C-T.
Other names: short protein forms R9*.
Identifiers: ClinVar variation 3268 (VCV000003268.8), dbSNP rs121434262, ClinGen allele CA252644.

ClinVar aggregate classification (germline): Pathogenic. Review status: criteria provided, multiple submitters, no conflicts (2 of 4 stars). 3 submissions from 3 submitters: Pathogenic (2). 1 of the submissions does not count toward it. Last evaluated 2022-10-31.

Conditions:
Hereditary cancer-predisposing syndrome. Also called: Neoplastic Syndromes, Hereditary; Hereditary Cancer Syndrome; Tumor predisposition; Hereditary neoplastic syndrome. Identifiers: Orphanet 140162, MedGen C0027672, MeSH D009386, MONDO:0015356.
Hyperparathyroidism 2 with jaw tumors. Also called: Hyperparathyroidism 2; Hyperparathyroidism-Jaw Tumor Syndrome; HYPERPARATHYROIDISM, FAMILIAL PRIMARY, WITH MULTIPLE OSSIFYING JAW FIBROMAS; HYPERPARATHYROIDISM-JAW TUMOR SYNDROME, HEREDITARY. Identifiers: Orphanet 99880, MedGen C1704981, MONDO:0007768, OMIM 145001.
Parathyroid carcinoma (PRTC). Also called: CDC73-Related Parathyroid Carcinoma; Parathyroid gland carcinoma. Identifiers: Orphanet 143, MedGen C0687150, MONDO:0012004, OMIM 608266, HP:0006780.

Submissions (3):

Labcorp Genetics (formerly Invitae), Labcorp
Classification: Pathogenic for Parathyroid carcinoma. Last evaluated: 2022-10-31. Review status: criteria provided, single submitter. Criteria: Invitae Variant Classification Sherloc (09022015). Collection method: clinical testing. Allele origin: germline.
Comment: ClinVar contains an entry for this variant (Variation ID: 3268). For these reasons, this variant has been classified as Pathogenic. This premature translational stop signal has been observed in individual(s) with clinical features of CDC73-related conditions (PMID: 12434154). This variant is not present in population databases (gnomAD no frequency). This sequence change creates a premature translational stop signal (p.Arg9*) in the CDC73 gene. It is expected to result in an absent or disrupted protein product. Loss-of-function variants in CDC73 are known to be pathogenic (PMID: 12434154).

Ambry Genetics
Classification: Pathogenic for Hereditary cancer-predisposing syndrome. Last evaluated: 2020-07-17. Review status: criteria provided, single submitter. Criteria: Ambry Variant Classification Scheme 2023. Collection method: clinical testing. Allele origin: germline.
Comment: The p.R9* pathogenic mutation (also known as c.25C>T), located in coding exon 1 of the CDC73 gene, results from a C to T substitution at nucleotide position 25. This changes the amino acid from an arginine to a stop codon within coding exon 1. The predicted stop codon occurs within the first 150 nucleotides of CDC73 gene. This alteration may escape nonsense-mediated mRNAdecay and/or be rescued by re-initiation (Rivas et al. Science. 2015 May 8;348(6235):666-9; Lindeboom et al. Nat Genet. 2016 Oct;48(10):1112-8; Rhee et al. Sci Rep. 2017 May 10;7(1):1653). However, re-initiation on a downstream methionine would remove a significant portion of the protein. In addition, this mutation has been described in at least one family and one individual with hyperparathyroidism-jaw tumor syndrome (Carpten JD et al. Nat. Genet. 2002 Dec;32(4):676-80; Schmidt BP et al. J. Oral Maxillofac. Surg. 2009 Feb;67(2):423-7). Based on the supporting evidence, this alteration is interpreted as a disease-causing mutation.

OMIM
Classification: Pathogenic for HYPERPARATHYROIDISM-JAW TUMOR SYNDROME. Last evaluated: 2002-12-01. Review status: no assertion criteria provided. Collection method: literature only. Allele origin: germline. Not counted in ClinVar's aggregate classification.

Literature cited by the submitters: PubMed 12434154 (cited by Labcorp Genetics (formerly Invitae), Labcorp and OMIM).